The following is an entry in ClinVar:

ClinVar aggregate classification (germline): Pathogenic (1 of 4 stars; one submission).

Conditions:
Tuberous sclerosis 2 (TSC2). Identifiers: Orphanet 805, MedGen C1860707, MONDO:0013199, OMIM 613254.

Submission:

Labcorp Genetics (formerly Invitae), Labcorp
Classification: Pathogenic for Tuberous sclerosis 2. Last evaluated: 2025-08-21. Review status: criteria provided, single submitter. Criteria: Invitae Variant Classification Sherloc (09022015). Collection method: clinical testing. Allele origin: germline.
Comment: This sequence change replaces valine, which is neutral and non-polar, with aspartic acid, which is acidic and polar, at codon 184 of the TSC2 protein (p.Val184Asp). This variant is not present in population databases (gnomAD no frequency). This missense change has been observed in individual(s) with clinical features of tuberous sclerosis complex (PMID: 33448881, 35723786). In at least one individual the variant was observed to be de novo. ClinVar contains an entry for this variant (Variation ID: 1068227). Invitae Evidence Modeling of protein sequence and biophysical properties (such as structural, functional, and spatial information, amino acid conservation, physicochemical variation, residue mobility, and thermodynamic stability) indicates that this missense variant is not expected to disrupt TSC2 protein function with a negative predictive value of 95%. This variant disrupts the p.Val184 amino acid residue in TSC2. Other variant(s) that disrupt this residue have been observed in individuals with TSC2-related conditions (internal data), which suggests that this may be a clinically significant amino acid residue. For these reasons, this variant has been classified as Pathogenic.

Literature cited by the submitters: PubMed 33448881; PubMed 35723786.

NM_000548.5(TSC2):c.551T>A (p.Val184Asp)

Gene: TSC2 (TSC complex subunit 2; plus strand). Cytogenetic location: 16p13.3.
Variant type: single nucleotide variant.
Coding change: c.551T>A on transcript NM_000548.5 (MANE Select); coding-DNA position 551, T replaced by A.
Protein change: p.Val184Asp; replaces valine 184 with aspartic acid.
Molecular consequence: missense variant. On other transcripts: intron variant (1).
Genome position (GRCh38, 1-based): chr16:2,055,471, T>A. VCF-style: chr16-2055471-T-A. GRCh37 (hg19) VCF-style: chr16-2105472-T-A.
Other names: c.551T>A, p.Val184Asp (NM_021055.3, NM_001077183.3, NM_001114382.3 and 3 more transcripts); c.-1-725T>A (NM_001318831.2); c.440T>A, p.Val147Asp (NM_001318827.2); c.404T>A, p.Val135Asp (NM_001318829.2); c.584T>A, p.Val195Asp (NM_001318832.2); short protein forms V135D, V147D, V184D, V195D.
Identifiers: ClinVar variation 1068227 (VCV001068227.9), dbSNP rs2085667006, ClinGen allele CA394309504.